The following is an entry in ClinVar:

NM_000143.4(FH):c.337G>T (p.Asp113Tyr)

Gene: FH (fumarate hydratase; minus strand). Cytogenetic location: 1q43.
Variant type: single nucleotide variant.
Coding change: c.337G>T on transcript NM_000143.4 (MANE Select); coding-DNA position 337, G replaced by T.
Protein change: p.Asp113Tyr; replaces aspartic acid 113 with tyrosine.
Molecular consequence: missense variant.
Genome position (GRCh38, 1-based): chr1:241,513,644, C>A on the plus strand (G>T on the coding strand, the complement: FH is on the minus strand). VCF-style: chr1-241513644-C-A. GRCh37 (hg19) VCF-style: chr1-241676944-C-A.
Other names: short protein forms D113Y.
Identifiers: ClinVar variation 1730812 (VCV001730812.5), dbSNP rs1660145576, ClinGen allele CA345440627.
Genomic context (GRCh38, chr1:241,513,644, plus strand): 5'-CACACTTATCACCTCCTACCTCATCTGCTGCCTTCATTATTGCATTAGCAATCTTTGGAT[C>A]AAGACCATAATCCTGGTTTACTTCAGCGGCCGCTCGCTTCAAGATGCCAAAAGCTTTAAT-3'
Protein context (NP_000134.2, residues 103-123): AAEVNQDYGL[Asp113Tyr]PKIANAIMKA

ClinVar aggregate classification (germline): Uncertain significance. Review status: criteria provided, multiple submitters, no conflicts (2 of 4 stars). 2 submissions from 2 submitters: Uncertain significance (2). Last evaluated 2024-11-06.

Conditions:
Hereditary cancer-predisposing syndrome. Also called: Neoplastic Syndromes, Hereditary; Tumor predisposition; Hereditary Cancer Syndrome; Hereditary neoplastic syndrome. Identifiers: Orphanet 140162, MedGen C0027672, MeSH D009386, MONDO:0015356.

Submissions (2):

Labcorp Genetics (formerly Invitae), Labcorp
Classification: Uncertain significance. Last evaluated: 2024-11-06. Review status: criteria provided, single submitter. Criteria: Invitae Variant Classification Sherloc (09022015). Collection method: clinical testing. Allele origin: germline.
Comment: This sequence change replaces aspartic acid, which is acidic and polar, with tyrosine, which is neutral and polar, at codon 113 of the FH protein (p.Asp113Tyr). This variant is not present in population databases (gnomAD no frequency). This variant has not been reported in the literature in individuals affected with FH-related conditions. ClinVar contains an entry for this variant (Variation ID: 1730812). Invitae Evidence Modeling of protein sequence and biophysical properties (such as structural, functional, and spatial information, amino acid conservation, physicochemical variation, residue mobility, and thermodynamic stability) indicates that this missense variant is expected to disrupt FH protein function with a positive predictive value of 95%. In summary, the available evidence is currently insufficient to determine the role of this variant in disease. Therefore, it has been classified as a Variant of Uncertain Significance.

Ambry Genetics
Classification: Uncertain significance for Hereditary cancer-predisposing syndrome. Last evaluated: 2024-06-03. Review status: criteria provided, single submitter. Criteria: Ambry Variant Classification Scheme 2023. Collection method: clinical testing. Allele origin: germline.
Comment: The p.D113Y variant (also known as c.337G>T), located in coding exon 3 of the FH gene, results from a G to T substitution at nucleotide position 337. The aspartic acid at codon 113 is replaced by tyrosine, an amino acid with highly dissimilar properties. This amino acid position is highly conserved in available vertebrate species. In addition, this alteration is predicted to be deleterious by in silico analysis. Based on the available evidence, the clinical significance of this variant remains unclear.